The following is an entry in ClinVar:

ClinVar aggregate classification (germline): Benign/Likely benign. Review status: criteria provided, multiple submitters, no conflicts (2 of 4 stars). 4 submissions from 4 submitters: Benign (3); Likely benign (1). Last evaluated 2026-02-02.

Conditions:
TIA1-related disorder. Also called: TIA1-related condition.
Welander distal myopathy (WDM). Also called: MUSCULAR DYSTROPHY, DISTAL, LATE-ONSET, AUTOSOMAL DOMINANT; Gower's muscular dystrophy; Welander distal myopathy, Swedish type; Distal myopathy, Swedish type. Identifiers: Orphanet 603, MedGen C0221054, MONDO:0011466, OMIM 604454.

Allele frequency attached by ClinVar (database versions not stated): ESP Exome Variant Server 0.00246; gnomAD 0.00298 and 0.00319; TOPMed 0.00328; 1000 Genomes Project 30x 0.00390; 1000 Genomes Project 0.00419.
gnomAD v4.1: 896 of 1,614,010 alleles (0.056%); highest among the groups gnomAD compares: African/African-American, 1%; 6 homozygotes.

Submissions (4):

Labcorp Genetics (formerly Invitae), Labcorp
Classification: Benign for Welander distal myopathy. Last evaluated: 2026-02-02. Review status: criteria provided, single submitter. Criteria: Invitae Variant Classification Sherloc (09022015). Collection method: clinical testing. Allele origin: germline.

PreventionGenetics, part of Exact Sciences
Classification: Benign for TIA1-related condition. Last evaluated: 2025-06-30. Review status: criteria provided, single submitter. Criteria: ACMG Guidelines, 2015. Collection method: clinical testing. Allele origin: germline.
Comment: This variant is classified as benign based on ACMG/AMP sequence variant interpretation guidelines (Richards et al. 2015 PMID: 25741868, with internal and published modifications).

Blueprint Genetics
Classification: Likely benign. Last evaluated: 2024-11-26. Review status: criteria provided, single submitter. Criteria: ACMG Guidelines, 2015. Collection method: clinical testing. Allele origin: germline.

Breakthrough Genomics
Classification: Benign. Review status: criteria provided, single submitter. Criteria: ACMG Guidelines, 2015. Collection method: not provided. Allele origin: germline. Inheritance: Autosomal recessive inheritance. Affected: yes.

NM_022173.4(TIA1):c.978T>C (p.Gly326=)

Gene: TIA1 (TIA1 cytotoxic granule associated RNA binding protein; minus strand). Cytogenetic location: 2p13.3.
Variant type: single nucleotide variant.
Coding change: c.978T>C on transcript NM_022173.4 (MANE Select); coding-DNA position 978, T replaced by C.
Protein change: p.Gly326=; no amino-acid change (glycine 326 retained).
Molecular consequence: synonymous variant. On other transcripts: non-coding transcript variant (17).
Genome position (GRCh38, 1-based): chr2:70,214,405, A>G on the plus strand (T>C on the coding strand, the complement: TIA1 is on the minus strand). VCF-style: chr2-70214405-A-G. GRCh37 (hg19) VCF-style: chr2-70441537-A-G.
Other names: c.975T>C, p.Gly325= (NM_001351508.2); c.951T>C, p.Gly317= (NM_001351509.2); c.942T>C, p.Gly314= (NM_001351510.2); c.867T>C, p.Gly289= (NM_001351511.1); c.840T>C, p.Gly280= (NM_001351512.1); c.834T>C, p.Gly278= (NM_001351513.1); c.750T>C, p.Gly250= (NM_001351514.2); c.675T>C, p.Gly225= (NM_001351515.2); and 3 more.
Identifiers: ClinVar variation 458844 (VCV000458844.15), dbSNP rs78236170, ClinGen allele CA1697433.
Genomic context (GRCh38, chr2:70,214,405, plus strand): 5'-TTACTTAAATCCTTGCTGGTTCCATGCCTGGCCATACATTCCATATGCAGGAACTTGCCA[A>G]CCATTAGGCATATACTGGCCAATTTGTTGTGCATTTCCATACCACTGGCCCCACTGGCCA-3'
Protein context (NP_071505.2, residues 316-336): AQQIGQYMPN[Gly326=]WQVPAYGMYG